The following is an entry in ClinVar:

NM_001134363.3(RBM20):c.2069C>T (p.Pro690Leu)

Gene: RBM20 (RNA binding motif protein 20; plus strand). Cytogenetic location: 10q25.2.
Variant type: single nucleotide variant.
Coding change: c.2069C>T on transcript NM_001134363.3 (MANE Select); coding-DNA position 2069, C replaced by T.
Protein change: p.Pro690Leu; replaces proline 690 with leucine.
Molecular consequence: missense variant.
Genome position (GRCh38, 1-based): chr10:110,812,466, C>T. VCF-style: chr10-110812466-C-T. GRCh37 (hg19) VCF-style: chr10-112572224-C-T.
Other names: c.2069C>T (LRG_382t1); short protein forms P690L.
Identifiers: ClinVar variation 379517 (VCV000379517.26), dbSNP rs550942448, ClinGen allele CA16605974.
Genomic context (GRCh38, chr10:110,812,466, plus strand): 5'-GCAATGGCCGGGACTCCTGGGAGCACTCTCCCTATGCCAGGAGGGAGGAAGAGCGAGACC[C>T]GGCTCCCTGGAGGGACAACGGAGATGACAAGAGGGACAGGATGGACCCCTGGGCACATGA-3'
Protein context (NP_001127835.2, residues 680-700): PYARREEERD[Pro690Leu]APWRDNGDDK

ClinVar aggregate classification (germline): Conflicting classifications of pathogenicity. Review status: criteria provided, conflicting classifications (1 of 4 stars). 4 submissions from 4 submitters: Uncertain significance (2); Likely benign (2). Last evaluated 2025-12-13.

Conditions:
Cardiovascular phenotype. Identifiers: MedGen CN230736.
Cardiomyopathy (CMYO). Also called: Cardiomyopathies. Identifiers: Orphanet 167848, MedGen C0878544, MONDO:0004994, HP:0001638. Inheritance: Various modes of inheritance.
Dilated cardiomyopathy 1DD (CMD1DD). Identifiers: Orphanet 154, MedGen C2750995, MONDO:0013168, OMIM 613172.

Allele frequency attached by ClinVar (database versions not stated): gnomAD 0.00001; TOPMed 0.00001; gnomAD exomes 0.00002.

Submissions (4):

Labcorp Genetics (formerly Invitae), Labcorp
Classification: Likely benign for Dilated cardiomyopathy 1DD. Last evaluated: 2025-12-13. Review status: criteria provided, single submitter. Criteria: Invitae Variant Classification Sherloc (09022015). Collection method: clinical testing. Allele origin: germline.

Ambry Genetics
Classification: Uncertain significance for Cardiovascular phenotype. Last evaluated: 2024-07-01. Review status: criteria provided, single submitter. Criteria: Ambry Variant Classification Scheme 2023. Collection method: clinical testing. Allele origin: germline.
Comment: The p.P690L variant (also known as c.2069C>T), located in coding exon 9 of the RBM20 gene, results from a C to T substitution at nucleotide position 2069. The proline at codon 690 is replaced by leucine, an amino acid with similar properties. This amino acid position is poorly conserved in available vertebrate species. In addition, this alteration is predicted to be tolerated by in silico analysis. Since supporting evidence is limited at this time, the clinical significance of this alteration remains unclear.

CHEO Genetics Diagnostic Laboratory, Children's Hospital of Eastern Ontario
Classification: Uncertain significance for Cardiomyopathy. Last evaluated: 2022-11-08. Review status: criteria provided, single submitter. Criteria: ACMG Guidelines, 2015. Collection method: clinical testing. Allele origin: germline.

GeneDx
Classification: Likely benign. Last evaluated: 2015-05-01. Review status: criteria provided, single submitter. Criteria: GeneDx Variant Classification (06012015). Collection method: clinical testing. Allele origin: germline. Affected: yes.
Comment: This variant is considered likely benign or benign based on one or more of the following criteria: it is a conservative change, it occurs at a poorly conserved position in the protein, it is predicted to be benign by multiple in silico algorithms, and/or has population frequency not consistent with disease.